The following is an entry in ClinVar:

NM_004655.4(AXIN2):c.2447C>A (p.Ala816Glu)

Gene: AXIN2 (axin 2; minus strand). Cytogenetic location: 17q24.1.
Variant type: single nucleotide variant.
Coding change: c.2447C>A on transcript NM_004655.4 (MANE Select); coding-DNA position 2447, C replaced by A.
Protein change: p.Ala816Glu; replaces alanine 816 with glutamic acid.
Molecular consequence: missense variant.
Genome position (GRCh38, 1-based): chr17:65,530,061, G>T on the plus strand (C>A on the coding strand, the complement: AXIN2 is on the minus strand). VCF-style: chr17-65530061-G-T. GRCh37 (hg19) VCF-style: chr17-63526179-G-T.
Other names: c.2252C>A, p.Ala751Glu (NM_001363813.1); short protein forms A751E, A816E.
Identifiers: ClinVar variation 3814811 (VCV003814811.1).

ClinVar aggregate classification (germline): Uncertain significance (1 of 4 stars; one submission).

Conditions:
Hereditary cancer-predisposing syndrome. Also called: Hereditary neoplastic syndrome; Neoplastic Syndromes, Hereditary; Tumor predisposition; Hereditary Cancer Syndrome. Identifiers: Orphanet 140162, MedGen C0027672, MeSH D009386, MONDO:0015356.

Submission:

Ambry Genetics
Classification: Uncertain significance for Hereditary cancer-predisposing syndrome. Last evaluated: 2025-03-09. Review status: criteria provided, single submitter. Criteria: Ambry Variant Classification Scheme 2023. Collection method: clinical testing. Allele origin: germline.
Comment: The p.A816E variant (also known as c.2447C>A), located in coding exon 10 of the AXIN2 gene, results from a C to A substitution at nucleotide position 2447. The alanine at codon 816 is replaced by glutamic acid, an amino acid with dissimilar properties. This amino acid position is conserved. In addition, the in silico prediction for this alteration is inconclusive. Based on the available evidence, the clinical significance of this variant remains unclear.